The following is an entry in ClinVar:

ClinVar aggregate classification (germline): Uncertain significance. Review status: criteria provided, multiple submitters, no conflicts (2 of 4 stars). 2 submissions from 2 submitters: Uncertain significance (2). Last evaluated 2025-07-14.

Conditions:
Hereditary cancer-predisposing syndrome. Also called: Tumor predisposition; Hereditary neoplastic syndrome; Neoplastic Syndromes, Hereditary; Hereditary Cancer Syndrome. Identifiers: Orphanet 140162, MedGen C0027672, MeSH D009386, MONDO:0015356.
Bloom syndrome (BLM). Also called: Bloom-Torre-Machacek syndrome. Identifiers: Orphanet 125, MedGen C0005859, MONDO:0008876, OMIM 210900.

Allele frequency attached by ClinVar (database versions not stated): gnomAD exomes below 0.00001.
gnomAD v4.1: 1 of 1,609,240 alleles (0.000062%); highest among the groups gnomAD compares: Non-Finnish European, 0.000085%; no homozygotes.

Submissions (2):

Labcorp Genetics (formerly Invitae), Labcorp
Classification: Uncertain significance for Bloom syndrome. Last evaluated: 2025-07-14. Review status: criteria provided, single submitter. Criteria: Invitae Variant Classification Sherloc (09022015). Collection method: clinical testing. Allele origin: germline.
Comment: This sequence change replaces serine, which is neutral and polar, with threonine, which is neutral and polar, at codon 48 of the BLM protein (p.Ser48Thr). This variant is not present in population databases (gnomAD no frequency). This variant has not been reported in the literature in individuals affected with BLM-related conditions. ClinVar contains an entry for this variant (Variation ID: 960065). An algorithm developed to predict the effect of missense changes on protein structure and function outputs the following: PolyPhen-2: "Benign". The threonine amino acid residue is found in multiple mammalian species, which suggests that this missense change does not adversely affect protein function. In summary, the available evidence is currently insufficient to determine the role of this variant in disease. Therefore, it has been classified as a Variant of Uncertain Significance.

Ambry Genetics
Classification: Uncertain significance for Hereditary cancer-predisposing syndrome. Last evaluated: 2023-05-03. Review status: criteria provided, single submitter. Criteria: Ambry Variant Classification Scheme 2023. Collection method: clinical testing. Allele origin: germline.
Comment: The p.S48T variant (also known as c.142T>A), located in coding exon 2 of the BLM gene, results from a T to A substitution at nucleotide position 142. The serine at codon 48 is replaced by threonine, an amino acid with similar properties. This amino acid position is conserved. In addition, this alteration is predicted to be tolerated by in silico analysis. Since supporting evidence is limited at this time, the clinical significance of this alteration remains unclear.

NM_000057.4(BLM):c.142T>A (p.Ser48Thr)

Gene: BLM (BLM RecQ like helicase; plus strand). Cytogenetic location: 15q26.1.
Variant type: single nucleotide variant.
Coding change: c.142T>A on transcript NM_000057.4 (MANE Select); coding-DNA position 142, T replaced by A.
Protein change: p.Ser48Thr; replaces serine 48 with threonine.
Molecular consequence: missense variant. On other transcripts: 5 prime UTR variant (1).
Genome position (GRCh38, 1-based): chr15:90,749,410, T>A. VCF-style: chr15-90749410-T-A. GRCh37 (hg19) VCF-style: chr15-91292640-T-A.
Other names: c.142T>A, p.Ser48Thr (NM_001287246.2, NM_001287247.2); c.-1150T>A (NM_001287248.2); c.142T>A (NM_000057.2); short protein forms S48T.
Identifiers: ClinVar variation 960065 (VCV000960065.9), dbSNP rs1895601138, ClinGen allele CA393839450.